The following is an entry in ClinVar:

NM_007103.4(NDUFV1):c.659A>C (p.Gln220Pro)

Gene: NDUFV1 (NADH:ubiquinone oxidoreductase core subunit V1; plus strand). Cytogenetic location: 11q13.2.
Variant type: single nucleotide variant.
Coding change: c.659A>C on transcript NM_007103.4 (MANE Select); coding-DNA position 659, A replaced by C.
Protein change: p.Gln220Pro; replaces glutamine 220 with proline.
Molecular consequence: missense variant.
Genome position (GRCh38, 1-based): chr11:67,610,529, A>C. VCF-style: chr11-67610529-A-C. GRCh37 (hg19) VCF-style: chr11-67378000-A-C.
Other names: c.632A>C, p.Gln211Pro (NM_001166102.2); short protein forms Q211P, Q220P.
Identifiers: ClinVar variation 4689177 (VCV004689177.1).
Genomic context (GRCh38, chr11:67,610,529, plus strand): 5'-GGGCTGGGGCCTACATCTGTGGAGAGGAGACAGCGCTCATCGAGTCCATTGAGGGCAAGC[A>C]GGGCAAGCCCCGCCTGAAGCCCCCCTTCCCCGCAGACGTGGGTAAGGCCTGGCGTAACCC-3'
Protein context (NP_009034.2, residues 210-230): TALIESIEGK[Gln220Pro]GKPRLKPPFP

ClinVar aggregate classification (germline): Uncertain significance (1 of 4 stars; one submission).

gnomAD v4.1: 5 of 1,614,102 alleles (0.00031%); highest among the groups gnomAD compares: Non-Finnish European, 0.00042%; no homozygotes.

Submission:

Women's Health and Genetics/Laboratory Corporation of America, LabCorp
Classification: Uncertain significance. Last evaluated: 2026-01-21. Review status: criteria provided, single submitter. Criteria: LabCorp Variant Classification Summary - May 2015. Collection method: clinical testing. Allele origin: germline.
Comment: Variant summary: NDUFV1 c.659A>C (p.Gln220Pro) results in a non-conservative amino acid change in the encoded protein sequence. Algorithms developed to predict the effect of missense changes on protein structure and function all suggest that this variant is likely to be disruptive. The variant was absent in 251420 control chromosomes. The available data on variant occurrences in the general population are insufficient to allow any conclusion about variant significance. To our knowledge, no occurrence of c.659A>C in individuals affected with NDUFV1-related conditions and no experimental evidence demonstrating its impact on protein function have been reported. No submitters have cited clinical-significance assessments for this variant to ClinVar. Based on the evidence outlined above, the variant was classified as uncertain significance.